The following is an entry in ClinVar:

ClinVar aggregate classification (germline): Likely pathogenic (1 of 4 stars; one submission).

Submission:

Labcorp Genetics (formerly Invitae), Labcorp
Classification: Likely pathogenic. Last evaluated: 2026-01-14. Review status: criteria provided, single submitter. Criteria: Invitae Variant Classification Sherloc (09022015). Collection method: clinical testing. Allele origin: germline.
Comment: This sequence change affects a donor splice site in intron 13 of the LAMB3 gene. It is expected to disrupt RNA splicing. Variants that disrupt the donor or acceptor splice site typically lead to a loss of protein function (PMID: 16199547), and loss-of-function variants in LAMB3 are known to be pathogenic (PMID: 11023379, 16473856). This variant is not present in population databases (gnomAD no frequency). This variant has not been reported in the literature in individuals affected with LAMB3-related conditions. ClinVar contains an entry for this variant (Variation ID: 1495675). Algorithms developed to predict the effect of sequence changes on RNA splicing suggest that this variant may disrupt the consensus splice site. In summary, the currently available evidence indicates that the variant is pathogenic, but additional data are needed to prove that conclusively. Therefore, this variant has been classified as Likely Pathogenic.

Literature cited by the submitters: PubMed 16199547; PubMed 11023379; PubMed 16473856.

NM_000228.3(LAMB3):c.1597+1G>A

Gene: LAMB3 (laminin subunit beta 3; minus strand). Cytogenetic location: 1q32.2.
Variant type: single nucleotide variant.
Coding change: c.1597+1G>A on transcript NM_000228.3 (MANE Select); the canonical splice donor site of the intron after coding-DNA position 1597, G replaced by A.
Molecular consequence: splice donor variant.
Genome position (GRCh38, 1-based): chr1:209,626,866, C>T on the plus strand (G>A on the coding strand, the complement: LAMB3 is on the minus strand). VCF-style: chr1-209626866-C-T. GRCh37 (hg19) VCF-style: chr1-209800211-C-T.
Other names: c.1597+1G>A (NM_001127641.1, NM_001017402.2).
Identifiers: ClinVar variation 1495675 (VCV001495675.8), dbSNP rs1553277072, ClinGen allele CA344590048.
Genomic context (GRCh38, chr1:209,626,866, plus strand): 5'-TGTGCCCACCCGCGTGCTCGGCCCCCAGAGCCTCAGCGTCCCCCAGGCTTTGAGCATGCA[C>T]CTCGGCATCCTGTGGCCACGTCTCCATAGGTCCGGTCTGGACACTGGCGGATGGCTGCAG-3'